The following is an entry in ClinVar:

ClinVar aggregate classification (germline): Uncertain significance (1 of 4 stars; one submission).

Conditions:
Inborn genetic diseases. Identifiers: MedGen C0950123, MeSH D030342.

Submission:

Ambry Genetics
Classification: Uncertain significance for Inborn genetic diseases. Last evaluated: 2022-03-16. Review status: criteria provided, single submitter. Criteria: Ambry Variant Classification Scheme 2023. Collection method: clinical testing. Allele origin: germline.
Comment: The p.G615R variant (also known as c.1843G>C), located in coding exon 20 of the ERCC2 gene, results from a G to C substitution at nucleotide position 1843. The glycine at codon 615 is replaced by arginine, an amino acid with dissimilar properties. This amino acid position is conserved. In addition, this alteration is predicted to be deleterious by in silico analysis. Since supporting evidence is limited at this time, the clinical significance of this alteration remains unclear.

NM_000400.4(ERCC2):c.1843G>C (p.Gly615Arg)

Gene: ERCC2 (ERCC excision repair 2, TFIIH core complex helicase subunit; minus strand). Cytogenetic location: 19q13.32.
Variant type: single nucleotide variant.
Coding change: c.1843G>C on transcript NM_000400.4 (MANE Select); coding-DNA position 1843, G replaced by C.
Protein change: p.Gly615Arg; replaces glycine 615 with arginine.
Molecular consequence: missense variant.
Genome position (GRCh38, 1-based): chr19:45,352,805, C>G on the plus strand (G>C on the coding strand, the complement: ERCC2 is on the minus strand). VCF-style: chr19-45352805-C-G. GRCh37 (hg19) VCF-style: chr19-45856063-C-G.
Other names: short protein forms G615R.
Identifiers: ClinVar variation 1781205 (VCV001781205.2), dbSNP rs1309347920, ClinGen allele CA406363915.